The following is an entry in ClinVar:

ClinVar aggregate classification (germline): Pathogenic. Review status: criteria provided, multiple submitters, no conflicts (2 of 4 stars). 3 submissions from 3 submitters: Pathogenic (3). Last evaluated 2024-02-02.

Conditions:
Breast-ovarian cancer, familial, susceptibility to, 1 (BROVCA1). Also called: BRCA1 Hereditary Breast and Ovarian Cancer; OVARIAN CANCER, SUSCEPTIBILITY TO. Identifiers: Orphanet 145, MedGen C2676676, MONDO:0011450, OMIM 604370. Disease mechanism: loss of function.
Hereditary breast ovarian cancer syndrome. Also called: Hereditary breast and ovarian cancer; Hereditary breast and ovarian cancer syndrome (HBOC); BRCA1- and BRCA2-Associated Hereditary Breast and Ovarian Cancer; Hereditary breast and ovarian cancer syndrome; Breast and ovarian cancer; Hereditary breast and/or ovarian cancer syndrome. Identifiers: Orphanet 145, MedGen C0677776, MeSH D061325, MONDO:0003582. Disease mechanism: loss of function.

Submissions (3):

Quest Diagnostics Nichols Institute San Juan Capistrano
Classification: Pathogenic. Last evaluated: 2024-02-02. Review status: criteria provided, single submitter. Criteria: Quest Diagnostics criteria. Collection method: clinical testing. Allele origin: unknown.
Comment: The BRCA1 c.4258del (p.Gln1420Serfs*14) variant alters the translational reading frame of the BRCA1 mRNA and causes the premature termination of BRCA1 protein synthesis. This variant has not been reported in individuals with BRCA1-related conditions in the published literature. This variant has not been reported in large, multi-ethnic general populations (Genome Aggregation Database). Based on the available information, this variant is classified as pathogenic.

Labcorp Genetics (formerly Invitae), Labcorp
Classification: Pathogenic for Hereditary breast ovarian cancer syndrome. Last evaluated: 2024-01-22. Review status: criteria provided, single submitter. Criteria: Invitae Variant Classification Sherloc (09022015). Collection method: clinical testing. Allele origin: germline.
Comment: This sequence change creates a premature translational stop signal (p.Gln1420Serfs*14) in the BRCA1 gene. It is expected to result in an absent or disrupted protein product. Loss-of-function variants in BRCA1 are known to be pathogenic (PMID: 20104584). This variant is not present in population databases (gnomAD no frequency). This variant has not been reported in the literature in individuals affected with BRCA1-related conditions. For these reasons, this variant has been classified as Pathogenic.

Myriad Genetics, Inc.
Classification: Pathogenic for Breast-ovarian cancer, familial, susceptibility to, 1. Last evaluated: 2023-12-29. Review status: criteria provided, single submitter. Criteria: Myriad Autosomal Dominant, Autosomal Recessive and X-Linked Classification Criteria (2023). Collection method: clinical testing. Allele origin: unknown.
Comment: This variant is considered pathogenic. This variant creates a frameshift predicted to result in premature protein truncation.

Literature cited by the submitters: PubMed 20104584 (cited by Labcorp Genetics (formerly Invitae), Labcorp).

NM_007294.4(BRCA1):c.4258del (p.Gln1420fs)

Gene: BRCA1 (BRCA1 DNA repair associated; minus strand). Cytogenetic location: 17q21.31.
Variant type: Deletion.
Coding change: c.4258del on transcript NM_007294.4 (MANE Select); coding-DNA position 4258, one base deleted (C; older notation c.4258delC).
Protein change: p.Gln1420fs; shifts the reading frame from glutamine 1420.
Molecular consequence: frameshift variant.
Genome position (GRCh38, 1-based): chr17:43,082,503, G deleted on the plus strand (C on the coding strand, the reverse complement: BRCA1 is on the minus strand). VCF-style (leftmost placement, unchanged base first): chr17-43082502-TG-T. GRCh37 (hg19) VCF-style: chr17-41234519-TG-T.
Other names: c.4045del, p.Gln1349fs (NM_001407571.1, NM_001407853.1, NM_001407894.1 and 12 more transcripts); c.4258del, p.Gln1420fs (NM_001407581.1, NM_001407582.1, NM_001407583.1 and 23 more transcripts); c.4255del, p.Gln1419fs (NM_001407587.1, NM_001407590.1, NM_001407591.1 and 21 more transcripts); c.4117del, p.Gln1373fs (NM_001407733.1, NM_001407734.1, NM_001407735.1 and 23 more transcripts); c.4114del, p.Gln1372fs (NM_001407740.1, NM_001407741.1, NM_001407742.1 and 23 more transcripts); c.4258del (NM_007294.3); c.868del, p.Gln290fs (NM_001408416.1, NM_001408413.1); c.832del, p.Gln278fs (NM_001408418.1, NM_001408419.1, NM_001408420.1 and 2 more transcripts); and 54 more; short protein forms Q1251fs, Q1293fs, Q1308fs, Q1309fs, Q1331fs, Q1348fs, Q1352fs, Q1372fs.
Identifiers: ClinVar variation 2710584 (VCV002710584.5), dbSNP rs2551915138, ClinGen allele CA2697559867.